The following is an entry in ClinVar:

ClinVar aggregate classification (germline): Uncertain significance (1 of 4 stars; one submission).

Submission:

Labcorp Genetics (formerly Invitae), Labcorp
Classification: Uncertain significance. Last evaluated: 2020-07-29. Review status: criteria provided, single submitter. Criteria: Invitae Variant Classification Sherloc (09022015). Collection method: clinical testing. Allele origin: germline.
Comment: Algorithms developed to predict the effect of missense changes on protein structure and function (SIFT, PolyPhen-2, Align-GVGD) all suggest that this variant is likely to be disruptive, but these predictions have not been confirmed by published functional studies and their clinical significance is uncertain. In summary, the available evidence is currently insufficient to determine the role of this variant in disease. Therefore, it has been classified as a Variant of Uncertain Significance. This variant has not been reported in the literature in individuals with NEXMIF-related conditions. This variant is not present in population databases (ExAC no frequency). This sequence change replaces proline with serine at codon 1442 of the NEXMIF protein (p.Pro1442Ser). The proline residue is highly conserved and there is a moderate physicochemical difference between proline and serine.

NM_001008537.3(NEXMIF):c.4324C>T (p.Pro1442Ser)

Gene: NEXMIF (neurite extension and migration factor; minus strand). Cytogenetic location: Xq13.3.
Variant type: single nucleotide variant.
Coding change: c.4324C>T on transcript NM_001008537.3 (MANE Select); coding-DNA position 4324, C replaced by T.
Protein change: p.Pro1442Ser; replaces proline 1442 with serine.
Molecular consequence: missense variant.
Genome position (GRCh38, 1-based): chrX:74,740,233, G>A on the plus strand (C>T on the coding strand, the complement: NEXMIF is on the minus strand). VCF-style: chrX-74740233-G-A. GRCh37 (hg19) VCF-style: chrX-73960068-G-A.
Other names: short protein forms P1442S.
Identifiers: ClinVar variation 1057207 (VCV001057207.9), dbSNP rs1198098760, ClinGen allele CA413663531.